The following is an entry in ClinVar:

NM_020163.3(SEMA3G):c.1673G>A (p.Arg558Gln)

Gene: SEMA3G (semaphorin 3G; minus strand). Cytogenetic location: 3p21.1.
Variant type: single nucleotide variant.
Coding change: c.1673G>A on transcript NM_020163.3 (MANE Select); coding-DNA position 1673, G replaced by A.
Protein change: p.Arg558Gln; replaces arginine 558 with glutamine.
Molecular consequence: missense variant.
Genome position (GRCh38, 1-based): chr3:52,438,036, C>T on the plus strand (G>A on the coding strand, the complement: SEMA3G is on the minus strand). VCF-style: chr3-52438036-C-T. GRCh37 (hg19) VCF-style: chr3-52472052-C-T.
Other names: short protein forms R558Q.
Identifiers: ClinVar variation 3357985 (VCV003357985.1).
Genomic context (GRCh38, chr3:52,438,036, plus strand): 5'-TGGCTCTGGCCCAGGCACTGCAGGGCAGGGTTGCCGTGCCGGATGTCCTGCCGGCGGAAC[C>T]GGCGCTTGCCAAGGCTGGGGCGGTAGTGGGTACAGGAGGCACCATCCCAGGCACAGTATG-3'
Protein context (NP_064548.1, residues 548-568): THYRPSLGKR[Arg558Gln]FRRQDIRHGN

ClinVar aggregate classification (germline): Uncertain significance (0 of 4 stars; one submission).

Conditions:
SEMA3G-related disorder. Also called: SEMA3G-related condition.

gnomAD v4.1: 17 of 1,613,032 alleles (0.0011%); highest among the groups gnomAD compares: Admixed American, 0.0033%; no homozygotes.

Submission:

PreventionGenetics, part of Exact Sciences
Classification: Uncertain significance for SEMA3G-related condition. Last evaluated: 2023-11-27. Review status: no assertion criteria provided. Collection method: clinical testing. Allele origin: germline.
Comment: The SEMA3G c.1673G>A variant is predicted to result in the amino acid substitution p.Arg558Gln. To our knowledge, this variant has not been reported in the literature. This variant is reported in 0.0033% of alleles in individuals of South Asian descent in gnomAD. At this time, the clinical significance of this variant is uncertain due to the absence of conclusive functional and genetic evidence.